The following is an entry in ClinVar:

ClinVar aggregate classification (germline): Uncertain significance. Review status: criteria provided, single submitter (1 of 4 stars). 2 submissions from 1 submitter: Uncertain significance (2). Last evaluated 2018-02-17.

Conditions:
Ehlers-Danlos syndrome, classic type, 1 (EDSCL1). Also called: Ehlers-Danlos Syndrome, Classic Type, COL5A1-Related; EDS I; Ehlers-Danlos syndrome, type 1; EHLERS-DANLOS SYNDROME, GRAVIS TYPE; EHLERS-DANLOS SYNDROME, SEVERE CLASSIC TYPE. Identifiers: MedGen C0268335, MONDO:0019567, OMIM 130000.
Ehlers-Danlos syndrome, classic type (cEDS). Identifiers: Orphanet 287, MedGen C4225429, MONDO:0007522.

Submissions (2):

Labcorp Genetics (formerly Invitae), Labcorp
Classification: Uncertain significance for Ehlers-Danlos syndrome, classic type. Last evaluated: 2018-02-17. Review status: criteria provided, single submitter. Criteria: Invitae Variant Classification Sherloc (09022015). Collection method: clinical testing. Allele origin: germline.
Comment: This variant is an in-frame deletion of the genomic region encompassing exon 4 of the COL5A2 gene. It preserves the integrity of the reading frame. This variant has not been reported in the literature in individuals with COL5A2-related disease. Experimental studies and prediction algorithms are not available for this variant, and the functional significance of the deleted amino acids is currently unknown. In summary, the available evidence is currently insufficient to determine the role of this variant in disease. Therefore, it has been classified as a Variant of Uncertain Significance.

Labcorp Genetics (formerly Invitae), Labcorp
Classification: Uncertain significance for Ehlers-Danlos syndrome, classic type, 1. Last evaluated: 2018-01-28. Review status: criteria provided, single submitter. Criteria: Invitae Variant Classification Sherloc (09022015). Collection method: clinical testing. Allele origin: germline.
Comment: This variant is an in-frame deletion of the genomic region encompassing exon 4 of the COL5A2 gene. It preserves the integrity of the reading frame. Experimental studies and prediction algorithms are not available for this variant, and the functional significance of the deleted amino acids is currently unknown. In summary, the available evidence is currently insufficient to determine the role of this variant in disease. Therefore, it has been classified as a Variant of Uncertain Significance. This variant has not been reported in the literature in individuals with COL5A2-related disease.

NC_000002.12:g.(?_189100087)_(189100159_?)del

Gene: COL5A2 (collagen type V alpha 2 chain; minus strand). Cytogenetic location: 2q32.2.
Variant type: Deletion.
Identifiers: ClinVar variation 583447 (VCV000583447.8).